The following is an entry in ClinVar:

ClinVar aggregate classification (germline): Uncertain significance. Review status: criteria provided, multiple submitters, no conflicts (2 of 4 stars). 2 submissions from 2 submitters: Uncertain significance (2). Last evaluated 2025-03-14.

Conditions:
Developmental and epileptic encephalopathy, 1 (DEE1). Also called: X-linked infantile spasms; West's syndrome; Tonic spasms with clustering, arrest of psychomotor development and hypsarrhythmia on EEG; X-Linked Infantile Spasm Syndrome; OHTAHARA SYNDROME, X-LINKED; INFANTILE SPASM SYNDROME, X-LINKED 1. Identifiers: MedGen C3463992, MONDO:0010632, OMIM 308350. Disease mechanism: loss of function.
Autosomal dominant nonsyndromic hearing loss 65. Also called: TBC1D24-Related Autosomal Dominant Nonsyndromic Hearing Loss (DFNA); Deafness, autosomal dominant 65. Identifiers: Orphanet 90635, MedGen C3892048, MONDO:0014470, OMIM 616044.

Allele frequency attached by ClinVar (database versions not stated): TOPMed 0.00001.

Submissions (2):

GeneDx
Classification: Uncertain significance. Last evaluated: 2025-03-14. Review status: criteria provided, single submitter. Criteria: GeneDx Variant Classification Process June 2021. Collection method: clinical testing. Allele origin: germline. Affected: yes.
Comment: Not observed at significant frequency in large population cohorts (gnomAD); In silico analysis indicates that this missense variant does not alter protein structure/function; Has not been previously published as pathogenic or benign to our knowledge

Labcorp Genetics (formerly Invitae), Labcorp
Classification: Uncertain significance for Developmental and epileptic encephalopathy, 1; Autosomal dominant nonsyndromic hearing loss 65. Last evaluated: 2022-07-30. Review status: criteria provided, single submitter. Criteria: Invitae Variant Classification Sherloc (09022015). Collection method: clinical testing. Allele origin: germline.
Comment: This sequence change replaces proline, which is neutral and non-polar, with serine, which is neutral and polar, at codon 63 of the TBC1D24 protein (p.Pro63Ser). In summary, the available evidence is currently insufficient to determine the role of this variant in disease. Therefore, it has been classified as a Variant of Uncertain Significance. Advanced modeling of protein sequence and biophysical properties (such as structural, functional, and spatial information, amino acid conservation, physicochemical variation, residue mobility, and thermodynamic stability) performed at Invitae indicates that this missense variant is not expected to disrupt TBC1D24 protein function. ClinVar contains an entry for this variant (Variation ID: 839288). This variant has not been reported in the literature in individuals affected with TBC1D24-related conditions. This variant is not present in population databases (gnomAD no frequency).

NM_001199107.2(TBC1D24):c.187C>T (p.Pro63Ser)

Gene: TBC1D24 (TBC1 domain family member 24; plus strand). Cytogenetic location: 16p13.3.
Variant type: single nucleotide variant.
Coding change: c.187C>T on transcript NM_001199107.2 (MANE Select); coding-DNA position 187, C replaced by T.
Protein change: p.Pro63Ser; replaces proline 63 with serine.
Molecular consequence: missense variant.
Genome position (GRCh38, 1-based): chr16:2,496,335, C>T. VCF-style: chr16-2496335-C-T. GRCh37 (hg19) VCF-style: chr16-2546336-C-T.
Other names: c.187C>T, p.Pro63Ser (NM_020705.3); short protein forms P63S.
Identifiers: ClinVar variation 839288 (VCV000839288.9), dbSNP rs952274725, ClinGen allele CA276809612.